The following is an entry in ClinVar:

NM_001854.4(COL11A1):c.2901A>C (p.Gly967=)

Gene: COL11A1 (collagen type XI alpha 1 chain; minus strand). Cytogenetic location: 1p21.1.
Variant type: single nucleotide variant.
Coding change: c.2901A>C on transcript NM_001854.4 (MANE Select); coding-DNA position 2901, A replaced by C.
Protein change: p.Gly967=; no amino-acid change (glycine 967 retained).
Molecular consequence: synonymous variant. On other transcripts: non-coding transcript variant (1).
Genome position (GRCh38, 1-based): chr1:102,965,502, T>G on the plus strand (A>C on the coding strand, the complement: COL11A1 is on the minus strand). VCF-style: chr1-102965502-T-G. GRCh37 (hg19) VCF-style: chr1-103431058-T-G.
Other names: c.2784A>C, p.Gly928= (NM_001190709.2); c.2937A>C, p.Gly979= (NM_080629.3); c.2553A>C, p.Gly851= (NM_080630.4).
Identifiers: ClinVar variation 258453 (VCV000258453.19), dbSNP rs149526015, ClinGen allele CA974230.

ClinVar aggregate classification (germline): Benign/Likely benign. Review status: criteria provided, multiple submitters, no conflicts (2 of 4 stars). 9 submissions from 8 submitters: Benign (4); Likely benign (2). 3 of the submissions do not count toward it. Last evaluated 2026-02-01.

Conditions:
Fibrochondrogenesis 1 (FBCG1). Identifiers: Orphanet 2021, MedGen C3278138, MONDO:0009226, OMIM 228520.
Stickler syndrome type 2 (STL2). Also called: COL11A1-Related Stickler Syndrome; STICKLER SYNDROME, BEADED VITREOUS TYPE; STICKLER SYNDROME, VITREOUS TYPE 2; STICKLER SYNDROME, TYPE II. Identifiers: Orphanet 828, Orphanet 90654, MedGen C1858084, MONDO:0011493, OMIM 604841.

Allele frequency attached by ClinVar (database versions not stated): gnomAD 0.00039 and 0.00066; gnomAD exomes 0.00066 and 0.00134; TOPMed 0.00090; ExAC 0.00149; 1000 Genomes Project 0.00300; 1000 Genomes Project 30x 0.00328.
gnomAD v4.1: 1,104 of 1,613,228 alleles (0.068%); highest among the groups gnomAD compares: East Asian, 2.1%; 12 homozygotes.

Submissions (9):

Labcorp Genetics (formerly Invitae), Labcorp
Classification: Benign. Last evaluated: 2026-02-01. Review status: criteria provided, single submitter. Criteria: Invitae Variant Classification Sherloc (09022015). Collection method: clinical testing. Allele origin: germline.

Blueprint Genetics
Classification: Likely benign. Last evaluated: 2024-10-17. Review status: criteria provided, single submitter. Criteria: ACMG Guidelines, 2015. Collection method: clinical testing. Allele origin: germline.

Illumina Laboratory Services, Illumina
Classification: Benign for Stickler syndrome type 2. Last evaluated: 2018-01-12. Review status: criteria provided, single submitter. Criteria: ICSL Variant Classification Criteria 13 December 2019. Collection method: clinical testing. Allele origin: germline.
Comment: This variant was observed in the ICSL laboratory as part of a predisposition screen in an ostensibly healthy population. It had not been previously curated by ICSL or reported in the Human Gene Mutation Database (HGMD: prior to June 1st, 2018), and was therefore a candidate for classification through an automated scoring system. Utilizing variant allele frequency, disease prevalence and penetrance estimates, and inheritance mode, an automated score was calculated to assess if this variant is too frequent to cause the disease. Based on the score and internal cut-off values, a variant classified as benign is not then subjected to further curation. The score for this variant resulted in a classification of benign for this disease.

Illumina Laboratory Services, Illumina
Classification: Benign for Fibrochondrogenesis 1. Last evaluated: 2018-01-12. Review status: criteria provided, single submitter. Criteria: ICSL Variant Classification Criteria 13 December 2019. Collection method: clinical testing. Allele origin: germline.
Comment: the same text as in the submission from Illumina Laboratory Services, Illumina above.

GeneDx
Classification: Benign. Last evaluated: 2017-09-01. Review status: criteria provided, single submitter. Criteria: GeneDx Variant Classification (06012015). Collection method: clinical testing. Allele origin: germline. Affected: yes.
Comment: This variant is considered likely benign or benign based on one or more of the following criteria: it is a conservative change, it occurs at a poorly conserved position in the protein, it is predicted to be benign by multiple in silico algorithms, and/or has population frequency not consistent with disease.

PreventionGenetics, part of Exact Sciences
Classification: Likely benign. Review status: criteria provided, single submitter. Criteria: ACMG Guidelines, 2015. Collection method: clinical testing. Allele origin: germline.

Clinical Genetics DNA and cytogenetics Diagnostics Lab, Erasmus MC, Erasmus Medical Center
Classification: Likely benign. Review status: no assertion criteria provided. Collection method: clinical testing. Allele origin: germline. Affected: yes. Study: VKGL Data-share Consensus. Not counted in ClinVar's aggregate classification.

Clinical Genetics, Academic Medical Center
Classification: Benign. Review status: no assertion criteria provided. Collection method: clinical testing. Allele origin: germline. Affected: yes. Study: VKGL Data-share Consensus. Not counted in ClinVar's aggregate classification.

Genome Diagnostics Laboratory, Amsterdam University Medical Center
Classification: Benign. Review status: no assertion criteria provided. Collection method: clinical testing. Allele origin: germline. Affected: yes. Study: VKGL Data-share Consensus. Not counted in ClinVar's aggregate classification.